The following is an entry in ClinVar:

NM_003098.3(SNTA1):c.344C>A (p.Ser115Tyr)

Gene: SNTA1 (syntrophin alpha 1; minus strand). Cytogenetic location: 20q11.21.
Variant type: single nucleotide variant.
Coding change: c.344C>A on transcript NM_003098.3 (MANE Select); coding-DNA position 344, C replaced by A.
Protein change: p.Ser115Tyr; replaces serine 115 with tyrosine.
Molecular consequence: missense variant.
Genome position (GRCh38, 1-based): chr20:33,438,993, G>T on the plus strand (C>A on the coding strand, the complement: SNTA1 is on the minus strand). VCF-style: chr20-33438993-G-T. GRCh37 (hg19) VCF-style: chr20-32026799-G-T.
Other names: short protein forms S115Y.
Identifiers: ClinVar variation 1524206 (VCV001524206.10), dbSNP rs1359697782, ClinGen allele CA408633615.

ClinVar aggregate classification (germline): Uncertain significance. Review status: criteria provided, multiple submitters, no conflicts (2 of 4 stars). 2 submissions from 2 submitters: Uncertain significance (2). Last evaluated 2024-06-12.

Conditions:
Cardiovascular phenotype. Identifiers: MedGen CN230736.
Long QT syndrome (LQTS). Identifiers: MedGen C0023976, MeSH D008133, MONDO:0002442. Disease mechanism: loss of function. Inheritance: Various modes of inheritance.

Allele frequency attached by ClinVar (database versions not stated): gnomAD exomes below 0.00001; gnomAD 0.00001; TOPMed 0.00002.
gnomAD v4.1: 3 of 1,614,082 alleles (0.00019%); highest among the groups gnomAD compares: Admixed American, 0.005%; no homozygotes.

Submissions (2):

Labcorp Genetics (formerly Invitae), Labcorp
Classification: Uncertain significance for Long QT syndrome. Last evaluated: 2024-06-12. Review status: criteria provided, single submitter. Criteria: Invitae Variant Classification Sherloc (09022015). Collection method: clinical testing. Allele origin: germline.
Comment: This sequence change replaces serine, which is neutral and polar, with tyrosine, which is neutral and polar, at codon 115 of the SNTA1 protein (p.Ser115Tyr). This variant is present in population databases (no rsID available, gnomAD 0.003%). This variant has not been reported in the literature in individuals affected with SNTA1-related conditions. ClinVar contains an entry for this variant (Variation ID: 1524206). Advanced modeling of protein sequence and biophysical properties (such as structural, functional, and spatial information, amino acid conservation, physicochemical variation, residue mobility, and thermodynamic stability) performed at Invitae indicates that this missense variant is expected to disrupt SNTA1 protein function with a positive predictive value of 80%. In summary, the available evidence is currently insufficient to determine the role of this variant in disease. Therefore, it has been classified as a Variant of Uncertain Significance.

Ambry Genetics
Classification: Uncertain significance for Cardiovascular phenotype. Last evaluated: 2021-12-08. Review status: criteria provided, single submitter. Criteria: Ambry Variant Classification Scheme 2023. Collection method: clinical testing. Allele origin: germline.
Comment: The p.S115Y variant (also known as c.344C>A), located in coding exon 2 of the SNTA1 gene, results from a C to A substitution at nucleotide position 344. The serine at codon 115 is replaced by tyrosine, an amino acid with dissimilar properties. This amino acid position is conserved. In addition, this alteration is predicted to be deleterious by in silico analysis. Since supporting evidence is limited at this time, the clinical significance of this alteration remains unclear.